The following is an entry in ClinVar:

ClinVar aggregate classification (germline): Likely benign (1 of 4 stars; one submission).

Submission:

CeGaT Center for Human Genetics Tuebingen
Classification: Likely benign. Last evaluated: 2025-04-01. Review status: criteria provided, single submitter. Criteria: CeGaT Center For Human Genetics Tuebingen Variant Classification Criteria Version 2. Collection method: clinical testing. Allele origin: germline. Affected: yes. Observed: 1 variant allele.
Comment: MAMLD1: PM2:Supporting, BP4, BP7

NM_005491.5(MAMLD1):c.1797G>A (p.Gln599=)

Gene: MAMLD1 (mastermind like domain containing 1; plus strand). Cytogenetic location: Xq28.
Variant type: single nucleotide variant.
Coding change: c.1797G>A on transcript NM_005491.5 (MANE Select); coding-DNA position 1797, G replaced by A.
Protein change: p.Gln599=; no amino-acid change (glutamine 599 retained).
Molecular consequence: synonymous variant.
Genome position (GRCh38, 1-based): chrX:150,471,370, G>A. VCF-style: chrX-150471370-G-A. GRCh37 (hg19) VCF-style: chrX-149639642-G-A.
Other names: c.1722G>A, p.Gln574= (NM_001177465.3, NM_001177466.3, NM_001400514.1); c.1797G>A, p.Gln599= (NM_001400512.1, NM_001400513.1, NM_001400515.1).
Identifiers: ClinVar variation 3898124 (VCV003898124.7).
Genomic context (GRCh38, chrX:150,471,370, plus strand): 5'-GCAGGCCTCCTCAGCCACTGCCTCCTCCACGGCCACTGCCACCTTGCAGCTGCAGCAGCA[G>A]CAGCAGCAACAGCAGCAGCAGCCTGACCATTCTTCATTCCTTCTGCAGCAGATGATGCAG-3'
Protein context (NP_005482.2, residues 589-609): TATATLQLQQ[Gln599=]QQQQQQQPDH